The following is an entry in ClinVar:

NM_015047.3(EMC1):c.2833A>T (p.Thr945Ser)

Genes: EMC1 (ER membrane protein complex subunit 1; minus strand), EMC1-AS1 (EMC1 antisense RNA 1; plus strand). Cytogenetic location: 1p36.13.
Variant type: single nucleotide variant.
Coding change: c.2833A>T on transcript NM_015047.3 (MANE Select); coding-DNA position 2833, A replaced by T.
Protein change: p.Thr945Ser; replaces threonine 945 with serine.
Molecular consequence: missense variant.
Genome position (GRCh38, 1-based): chr1:19,219,452, T>A on the plus strand (A>T on the coding strand, the complement: EMC1 is on the minus strand). VCF-style: chr1-19219452-T-A. GRCh37 (hg19) VCF-style: chr1-19545946-T-A.
Other names: c.2830A>T, p.Thr944Ser (NM_001271427.2, NM_001271428.2); c.2767A>T, p.Thr923Ser (NM_001271429.2); c.2842A>T, p.Thr948Ser (NM_001375820.1); c.2839A>T, p.Thr947Ser (NM_001375821.1); short protein forms T947S, T948S, T923S, T944S, T945S.
Identifiers: ClinVar variation 2701569 (VCV002701569.3), dbSNP rs781655970, ClinGen allele CA652128.

ClinVar aggregate classification (germline): Uncertain significance (1 of 4 stars; one submission).

Allele frequency attached by ClinVar (database versions not stated): ExAC 0.00001.

Submission:

Labcorp Genetics (formerly Invitae), Labcorp
Classification: Uncertain significance. Last evaluated: 2023-12-18. Review status: criteria provided, single submitter. Criteria: Invitae Variant Classification Sherloc (09022015). Collection method: clinical testing. Allele origin: germline.
Comment: This sequence change replaces threonine, which is neutral and polar, with serine, which is neutral and polar, at codon 945 of the EMC1 protein (p.Thr945Ser). This variant is present in population databases (rs781655970, gnomAD 0.006%). This variant has not been reported in the literature in individuals affected with EMC1-related conditions. Advanced modeling of protein sequence and biophysical properties (such as structural, functional, and spatial information, amino acid conservation, physicochemical variation, residue mobility, and thermodynamic stability) has been performed at Invitae for this missense variant, however the output from this modeling did not meet the statistical confidence thresholds required to predict the impact of this variant on EMC1 protein function. In summary, the available evidence is currently insufficient to determine the role of this variant in disease. Therefore, it has been classified as a Variant of Uncertain Significance.